The following is an entry in ClinVar:

ClinVar aggregate classification (germline): Uncertain significance. Review status: criteria provided, single submitter (1 of 4 stars). 2 submissions from 2 submitters: Uncertain significance (1). 1 of the submissions does not count toward it. Last evaluated 2024-08-06.

Conditions:
RAI1-related disorder. Also called: RAI1-related condition.

gnomAD v4.1: 1 of 1,614,000 alleles (0.000062%); highest among the groups gnomAD compares: Non-Finnish European, 0.000085%; no homozygotes.

Submissions (2):

GeneDx
Classification: Uncertain significance. Last evaluated: 2024-08-06. Review status: criteria provided, single submitter. Criteria: GeneDx Variant Classification Process June 2021. Collection method: clinical testing. Allele origin: germline. Affected: yes.
Comment: Not observed at significant frequency in large population cohorts (gnomAD); In silico analysis indicates that this missense variant does not alter protein structure/function; Has not been previously published as pathogenic or benign to our knowledge

PreventionGenetics, part of Exact Sciences
Classification: Uncertain significance for RAI1-related condition. Last evaluated: 2024-05-09. Review status: no assertion criteria provided. Collection method: clinical testing. Allele origin: germline. Not counted in ClinVar's aggregate classification.
Comment: The RAI1 c.4795G>T variant is predicted to result in the amino acid substitution p.Val1599Leu. To our knowledge, this variant has not been reported in the literature or in a large population database, indicating this variant is rare. At this time, the clinical significance of this variant is uncertain due to the absence of conclusive functional and genetic evidence.

NM_030665.4(RAI1):c.4795G>T (p.Val1599Leu)

Gene: RAI1 (retinoic acid induced 1; plus strand). Cytogenetic location: 17p11.2.
Variant type: single nucleotide variant.
Coding change: c.4795G>T on transcript NM_030665.4 (MANE Select); coding-DNA position 4795, G replaced by T.
Protein change: p.Val1599Leu; replaces valine 1599 with leucine.
Molecular consequence: missense variant.
Genome position (GRCh38, 1-based): chr17:17,797,743, G>T. VCF-style: chr17-17797743-G-T. GRCh37 (hg19) VCF-style: chr17-17701057-G-T.
Other names: short protein forms V1599L.
Identifiers: ClinVar variation 3344758 (VCV003344758.2).